The following is an entry in ClinVar:

NM_024675.4(PALB2):c.1413A>G (p.Gly471=)

Gene: PALB2 (partner and localizer of BRCA2; minus strand). Cytogenetic location: 16p12.2.
Variant type: single nucleotide variant.
Coding change: c.1413A>G on transcript NM_024675.4 (MANE Select); coding-DNA position 1413, A replaced by G.
Protein change: p.Gly471=; no amino-acid change (glycine 471 retained).
Molecular consequence: synonymous variant.
Genome position (GRCh38, 1-based): chr16:23,635,133, T>C on the plus strand (A>G on the coding strand, the complement: PALB2 is on the minus strand). VCF-style: chr16-23635133-T-C. GRCh37 (hg19) VCF-style: chr16-23646454-T-C.
Identifiers: ClinVar variation 492160 (VCV000492160.6), dbSNP rs1555461299, ClinGen allele CA494461475.

ClinVar aggregate classification (germline): Benign/Likely benign. Review status: criteria provided, multiple submitters, no conflicts (2 of 4 stars). 3 submissions from 3 submitters: Benign (1); Likely benign (2). Last evaluated 2025-01-13.

Conditions:
Hereditary cancer-predisposing syndrome. Also called: Hereditary neoplastic syndrome; Tumor predisposition; Hereditary Cancer Syndrome; Neoplastic Syndromes, Hereditary. Identifiers: Orphanet 140162, MedGen C0027672, MeSH D009386, MONDO:0015356.
Familial cancer of breast. Also called: Hereditary breast cancer; hereditary breast carcinoma; BREAST CANCER, FAMILIAL. Identifiers: Orphanet 227535, MedGen C0346153, MONDO:0016419, OMIM 114480. Disease mechanism: loss of function.

Allele frequency attached by ClinVar (database versions not stated): gnomAD exomes below 0.00001.
gnomAD v4.1: 1 of 1,614,230 alleles (0.000062%); highest among the groups gnomAD compares: Non-Finnish European, 0.000085%; no homozygotes.

Submissions (3):

Myriad Genetics, Inc.
Classification: Benign for Familial cancer of breast. Last evaluated: 2025-01-13. Review status: criteria provided, single submitter. Criteria: Myriad Autosomal Dominant, Autosomal Recessive and X-Linked Classification Criteria (2023). Collection method: clinical testing. Allele origin: unknown.
Comment: This variant is considered benign. This variant is a silent/synonymous amino acid change and it is not expected to impact splicing.

Ambry Genetics
Classification: Likely benign for Hereditary cancer-predisposing syndrome. Last evaluated: 2022-05-25. Review status: criteria provided, single submitter. Criteria: Ambry Variant Classification Scheme 2023. Collection method: clinical testing. Allele origin: germline.

Color Diagnostics, LLC DBA Color Health
Classification: Likely benign for Hereditary cancer-predisposing syndrome. Last evaluated: 2017-08-23. Review status: criteria provided, single submitter. Criteria: ACMG Guidelines, 2015. Collection method: clinical testing. Allele origin: germline.